The following is an entry in ClinVar:

ClinVar aggregate classification (germline): Pathogenic. Review status: reviewed by expert panel (3 of 4 stars). 9 submissions from 8 submitters: Pathogenic (1). 8 of the submissions do not count toward it. Last evaluated 2017-12-08.

Conditions:
CFTR-related disorder (CFTR-RD). Also called: CFTR-related disorders; CFTR-related condition. Identifiers: MedGen C5924204, MONDO:7770004.
Cystic fibrosis (CF). Also called: MUCOVISCIDOSIS. Identifiers: Orphanet 586, MedGen C0010674, MONDO:0009061, OMIM 219700. Disease mechanism: loss of function.
Congenital bilateral aplasia of vas deferens from CFTR mutation (CBAVD). Identifiers: Orphanet 48, MedGen C0403814, MONDO:0010178, OMIM 277180. Disease mechanism: loss of function.
Bronchiectasis with or without elevated sweat chloride 1 (BESC1). Also called: Cystic Fibrosis-Like Syndrome. Identifiers: Orphanet 60033, MedGen C2749757, MONDO:0008887, OMIM 211400.

Submissions (9):

CFTR2
Classification: Pathogenic for Cystic fibrosis. Last evaluated: 2017-12-08. Review status: reviewed by expert panel. Criteria: Sosnay PR et al. (Nat Genet 2013). Collection method: research. Allele origin: germline. Affected: yes.

Natera, Inc.
Classification: Pathogenic for CFTR-related disorders. Last evaluated: 2025-10-15. Review status: criteria provided, single submitter. Criteria: Natera Variant Classification Schema (03/2026). Collection method: clinical testing. Allele origin: germline. Not counted in ClinVar's aggregate classification.
Comment: The c.1373delG variant in CFTR is a frameshift variant predicted to shift the reading frame beginning at codon 458 and leads to a stop codon 11 codons downstream. This variant is expected to result in nonsense mediated decay, truncation, or a dysfunctional protein product. This variant is rare in the general population with a frequency below the threshold expected for the associated phenotype(s). This variant has been observed in one or more individuals affected with the associated recessive disease, as either homozygous or compound heterozygous with a second variant (PMID: 32265312). Given the available evidence, this variant is classified as Pathogenic.

Ambry Genetics
Classification: Pathogenic for Cystic fibrosis. Last evaluated: 2024-07-21. Review status: criteria provided, single submitter. Criteria: Ambry Variant Classification Scheme 2023. Collection method: clinical testing. Allele origin: germline. Not counted in ClinVar's aggregate classification.
Comment: The c.1373delG pathogenic mutation, located in coding exon 10 of the CFTR gene, results from a deletion of one nucleotide at nucleotide position 1373, causing a translational frameshift with a predicted alternate stop codon (p.G458Dfs*11). This variant has been identified in conjunction with another CFTR variant in an individual who met clinical criteria for cystic fibrosis (McCravy MS et al. Eur Respir J, 2020 Jul;56:). This alteration is expected to result in loss of function by premature protein truncation or nonsense-mediated mRNA decay. As such, this alteration is interpreted as a disease-causing mutation.

Women's Health and Genetics/Laboratory Corporation of America, LabCorp
Classification: Pathogenic for Cystic fibrosis. Last evaluated: 2023-06-14. Review status: criteria provided, single submitter. Criteria: LabCorp Variant Classification Summary - May 2015. Collection method: clinical testing. Allele origin: germline. Not counted in ClinVar's aggregate classification.
Comment: Variant summary: CFTR c.1373delG (p.Gly458AspfsX11) results in a premature termination codon, predicted to cause an absence of the protein due to nonsense mediated decay, which is a commonly known mechanism for disease. Truncations downstream of this position have been classified as pathogenic by our laboratory. The variant allele was found at a frequency of 4.1e-06 in 244091 control chromosomes, predominantly at a frequency of 6.5e-05 within the African or African-American subpopulation in the gnomAD database. The following publications have been ascertained in the context of this evaluation (PMID: 9150159, 16049310). Multiple clinical diagnostic laboratories and the CFTR2 database have submitted clinical-significance assessments for this variant to ClinVar after 2014 and all classified the variant as pathogenic/likely pathogenic. Based on the evidence outlined above, the variant was classified as pathogenic.

Baylor Genetics
Classification: Pathogenic for Bronchiectasis with or without elevated sweat chloride 1. Last evaluated: 2023-04-19. Review status: criteria provided, single submitter. Criteria: ACMG Guidelines, 2015. Collection method: clinical testing. Allele origin: unknown. Not counted in ClinVar's aggregate classification.

Labcorp Genetics (formerly Invitae), Labcorp
Classification: Pathogenic for Cystic fibrosis. Last evaluated: 2022-04-28. Review status: criteria provided, single submitter. Criteria: Invitae Variant Classification Sherloc (09022015). Collection method: clinical testing. Allele origin: germline. Not counted in ClinVar's aggregate classification.
Comment: For these reasons, this variant has been classified as Pathogenic. ClinVar contains an entry for this variant (Variation ID: 53237). This variant is also known as 1504delG. This premature translational stop signal has been observed in individual(s) with cystic fibrosis (PMID: 9150159). The frequency data for this variant in the population databases is considered unreliable, as metrics indicate poor data quality at this position in the gnomAD database. This sequence change creates a premature translational stop signal (p.Gly458Aspfs*11) in the CFTR gene. It is expected to result in an absent or disrupted protein product. Loss-of-function variants in CFTR are known to be pathogenic (PMID: 1695717, 7691345, 9725922).

Baylor Genetics
Classification: Pathogenic for Congenital bilateral aplasia of vas deferens from CFTR mutation; Cystic fibrosis. Review status: criteria provided, single submitter. Criteria: ACMG Guidelines, 2015. Collection method: clinical testing. Allele origin: germline. Not counted in ClinVar's aggregate classification.

Counsyl
Classification: Likely pathogenic for Cystic fibrosis. Last evaluated: 2016-07-19. Review status: no assertion criteria provided. Collection method: clinical testing. Allele origin: unknown. Not counted in ClinVar's aggregate classification.

Clinical Molecular Genetics Laboratory, Johns Hopkins All Children's Hospital
Classification: Pathogenic for Cystic fibrosis. Last evaluated: 2015-10-28. Review status: no assertion criteria provided. Collection method: clinical testing. Allele origin: germline. Affected: yes. Not counted in ClinVar's aggregate classification.

Literature cited by the submitters: PubMed 32265312 (cited by Natera, Inc. and Ambry Genetics); PubMed 16049310 (cited by Women's Health and Genetics/Laboratory Corporation of America, LabCorp); PubMed 9150159 (cited by 3 submitters); PubMed 1695717 (cited by Labcorp Genetics (formerly Invitae), Labcorp); PubMed 7691345 (cited by Labcorp Genetics (formerly Invitae), Labcorp); PubMed 9725922 (cited by Labcorp Genetics (formerly Invitae), Labcorp).

NM_000492.4(CFTR):c.1373del (p.Gly458fs)

Genes: CFTR (CF transmembrane conductance regulator; plus strand), CFTR-AS1 (CFTR antisense RNA 1; minus strand). Cytogenetic location: 7q31.2.
Variant type: Deletion.
Coding change: c.1373del on transcript NM_000492.4 (MANE Select); coding-DNA position 1373, one base deleted (G; older notation c.1373delG).
Protein change: p.Gly458fs; shifts the reading frame from glycine 458.
Molecular consequence: frameshift variant.
Genome position (GRCh38, 1-based): chr7:117,548,804, G deleted; the last of 2 consecutive G bases (chr7:117,548,803-117,548,804); deleting either gives the same sequence. VCF-style (leftmost placement, unchanged base first): chr7-117548802-TG-T. GRCh37 (hg19) VCF-style: chr7-117188856-TG-T.
Other names: c.1373delG (NM_000492.3); short protein forms G458fs.
Identifiers: ClinVar variation 53237 (VCV000053237.16), dbSNP rs397508196, ClinGen allele CA326461.